The following is an entry in ClinVar:

NM_004656.4(BAP1):c.1501A>G (p.Ser501Gly)

Gene: BAP1 (BRCA1 associated deubiquitinase 1; minus strand). Cytogenetic location: 3p21.1.
Variant type: single nucleotide variant.
Coding change: c.1501A>G on transcript NM_004656.4 (MANE Select); coding-DNA position 1501, A replaced by G.
Protein change: p.Ser501Gly; replaces serine 501 with glycine.
Molecular consequence: missense variant.
Genome position (GRCh38, 1-based): chr3:52,403,644, T>C on the plus strand (A>G on the coding strand, the complement: BAP1 is on the minus strand). VCF-style: chr3-52403644-T-C. GRCh37 (hg19) VCF-style: chr3-52437660-T-C.
Other names: c.1501A>G (NM_004656.2); short protein forms S501G.
Identifiers: ClinVar variation 1416727 (VCV001416727.8), dbSNP rs2153226684, ClinGen allele CA353100960.

ClinVar aggregate classification (germline): Uncertain significance. Review status: criteria provided, multiple submitters, no conflicts (2 of 4 stars). 3 submissions from 3 submitters: Uncertain significance (3). Last evaluated 2024-01-28.

Conditions:
Hereditary cancer-predisposing syndrome. Also called: Hereditary Cancer Syndrome; Tumor predisposition; Hereditary neoplastic syndrome; Neoplastic Syndromes, Hereditary. Identifiers: Orphanet 140162, MedGen C0027672, MeSH D009386, MONDO:0015356.
BAP1-related tumor predisposition syndrome (TPDS1). Also called: COMMON Syndrome; BAP1 tumor predisposition syndrome; Tumor susceptibility linked to germline BAP1 mutations; TUMOR PREDISPOSITION SYNDROME 1. Identifiers: Orphanet 289539, MedGen C3280492, MONDO:0013692, OMIM 614327.

Submissions (3):

Labcorp Genetics (formerly Invitae), Labcorp
Classification: Uncertain significance for BAP1-related tumor predisposition syndrome. Last evaluated: 2024-01-28. Review status: criteria provided, single submitter. Criteria: Invitae Variant Classification Sherloc (09022015). Collection method: clinical testing. Allele origin: germline.
Comment: This sequence change replaces serine, which is neutral and polar, with glycine, which is neutral and non-polar, at codon 501 of the BAP1 protein (p.Ser501Gly). This variant is not present in population databases (gnomAD no frequency). This variant has not been reported in the literature in individuals affected with BAP1-related conditions. ClinVar contains an entry for this variant (Variation ID: 1416727). Advanced modeling of protein sequence and biophysical properties (such as structural, functional, and spatial information, amino acid conservation, physicochemical variation, residue mobility, and thermodynamic stability) performed at Invitae indicates that this missense variant is expected to disrupt BAP1 protein function with a positive predictive value of 80%. In summary, the available evidence is currently insufficient to determine the role of this variant in disease. Therefore, it has been classified as a Variant of Uncertain Significance.

Ambry Genetics
Classification: Uncertain significance for Hereditary cancer-predisposing syndrome. Last evaluated: 2023-09-21. Review status: criteria provided, single submitter. Criteria: Ambry Variant Classification Scheme 2023. Collection method: clinical testing. Allele origin: germline.
Comment: The p.S501G variant (also known as c.1501A>G), located in coding exon 13 of the BAP1 gene, results from an A to G substitution at nucleotide position 1501. The serine at codon 501 is replaced by glycine, an amino acid with similar properties. This amino acid position is conserved. In addition, the in silico prediction for this alteration is inconclusive. Since supporting evidence is limited at this time, the clinical significance of this alteration remains unclear.

GeneDx
Classification: Uncertain significance. Last evaluated: 2022-10-18. Review status: criteria provided, single submitter. Criteria: GeneDx Variant Classification Process June 2021. Collection method: clinical testing. Allele origin: germline. Affected: yes.
Comment: Not observed at significant frequency in large population cohorts (gnomAD); In silico analysis supports that this missense variant does not alter protein structure/function; Has not been previously published as pathogenic or benign to our knowledge